The following is an entry in ClinVar:

ClinVar aggregate classification (germline): Likely pathogenic (1 of 4 stars; one submission).

Submission:

Labcorp Genetics (formerly Invitae), Labcorp
Classification: Likely pathogenic. Last evaluated: 2025-07-07. Review status: criteria provided, single submitter. Criteria: Invitae Variant Classification Sherloc (09022015). Collection method: clinical testing. Allele origin: germline.
Comment: This sequence change replaces glycine, which is neutral and non-polar, with valine, which is neutral and non-polar, at codon 1264 of the COL4A5 protein (p.Gly1264Val). This variant is not present in population databases (gnomAD no frequency). This variant has not been reported in the literature in individuals affected with COL4A5-related conditions. ClinVar contains an entry for this variant (Variation ID: 1066230). Experimental studies and prediction algorithms are not available or were not evaluated, and the functional significance of this variant is currently unknown. This variant disrupts the triple helix domain of COL4A5. Glycine residues within the Gly-Xaa-Yaa repeats of the triple helix domain are required for the structure and stability of fibrillar collagens (PMID: 7695699, 8218237, 19344236). In COL4A5, missense variants at these glycine residues are significantly enriched in individuals with disease (PMID: 23720012, 27627812) compared to the general population (ExAC). In summary, the currently available evidence indicates that the variant is pathogenic, but additional data are needed to prove that conclusively. Therefore, this variant has been classified as Likely Pathogenic.

Literature cited by the submitters: PubMed 7695699; PubMed 8218237; PubMed 19344236; PubMed 23720012; PubMed 27627812.

NM_033380.3(COL4A5):c.3809G>T (p.Gly1270Val)

Gene: COL4A5 (collagen type IV alpha 5 chain; plus strand). Cytogenetic location: Xq22.3.
Variant type: single nucleotide variant.
Coding change: c.3809G>T on transcript NM_033380.3 (MANE Select); coding-DNA position 3809, G replaced by T.
Protein change: p.Gly1270Val; replaces glycine 1270 with valine.
Molecular consequence: missense variant.
Genome position (GRCh38, 1-based): chrX:108,677,500, G>T. VCF-style: chrX-108677500-G-T. GRCh37 (hg19) VCF-style: chrX-107920730-G-T.
Other names: c.3791G>T, p.Gly1264Val (NM_000495.5); short protein forms G1264V, G1270V.
Identifiers: ClinVar variation 1066230 (VCV001066230.9), dbSNP rs2147974770, ClinGen allele CA413850050.
Genomic context (GRCh38, chrX:108,677,500, plus strand): 5'-GACTTTTATGCTACTCTTAACACTATACTGAAATGTCGTCATTTGCTGTGGATTATTAAG[G>T]TCTACCAGGTCCAGAAGGTCCTCCAGGTCTCCCTGGAAATGGAGGTATTAAAGGAGAGAA-3'
Protein context (NP_203699.1, residues 1260-1280): PGRPGPTGFQ[Gly1270Val]LPGPEGPPGL